The following is an entry in ClinVar:

NC_000013.10:g.(?_52548990)_(52552030_?)del

Gene: ATP7B (ATPase copper transporting beta; minus strand). Cytogenetic location: 13q14.3.
Variant type: Deletion.
Identifiers: ClinVar variation 2422250 (VCV002422250.4).

ClinVar aggregate classification (germline): Pathogenic (1 of 4 stars; one submission).

Conditions:
Wilson disease (WND). Also called: Wilson's disease. Identifiers: Orphanet 905, MedGen C0019202, MONDO:0010200, OMIM 277900. Disease mechanism: loss of function.

Submission:

Labcorp Genetics (formerly Invitae), Labcorp
Classification: Pathogenic for Wilson disease. Last evaluated: 2021-09-05. Review status: criteria provided, single submitter. Criteria: Invitae Variant Classification Sherloc (09022015). Collection method: clinical testing. Allele origin: germline.
Comment: For these reasons, this variant has been classified as Pathogenic. Studies have shown that this variant results in activation of a cryptic splice site and introduces a premature termination codon (PMID: 26031236). The resulting mRNA is expected to undergo nonsense-mediated decay. This variant is also known as c.52-2671_368del3039. This variant has been observed in individual(s) with Wilson disease (PMID: 26031236). This variant results in the deletion of part of exon 2 (c.52-2726_366delinsT) of the ATP7B gene. RNA analysis indicates that this variant induces altered splicing and may result in an absent or disrupted protein product.

Literature cited by the submitters: PubMed 26031236.